The following is an entry in ClinVar:

ClinVar aggregate classification (germline): Uncertain significance (1 of 4 stars; one submission).

Allele frequency attached by ClinVar (database versions not stated): TOPMed 0.00001.

Submission:

GeneDx
Classification: Uncertain significance. Last evaluated: 2020-06-17. Review status: criteria provided, single submitter. Criteria: GeneDx Variant Classification Process June 2021. Collection method: clinical testing. Allele origin: germline. Affected: yes.
Comment: Not observed in large population cohorts (Lek et al., 2016); In silico analysis supports that this missense variant has a deleterious effect on protein structure/function; Has not been previously published as pathogenic or benign to our knowledge

NM_002547.3(OPHN1):c.1573G>C (p.Gly525Arg)

Gene: OPHN1 (oligophrenin 1; minus strand). Cytogenetic location: Xq12.
Variant type: single nucleotide variant.
Coding change: c.1573G>C on transcript NM_002547.3 (MANE Select); coding-DNA position 1573, G replaced by C.
Protein change: p.Gly525Arg; replaces glycine 525 with arginine.
Molecular consequence: missense variant.
Genome position (GRCh38, 1-based): chrX:68,096,983, C>G on the plus strand (G>C on the coding strand, the complement: OPHN1 is on the minus strand). VCF-style: chrX-68096983-C-G. GRCh37 (hg19) VCF-style: chrX-67316825-C-G.
Other names: short protein forms G525R.
Identifiers: ClinVar variation 1306181 (VCV001306181.2), dbSNP rs2068593722, ClinGen allele CA413430954.
Genomic context (GRCh38, chrX:68,096,983, plus strand): 5'-TCATCATGGCGGCCACAGTGTCCTCCTGAGCTCTCATCAGGGTGGGCCCAAAGATTACTC[C>G]CATGTTGGAGGGGGTCATAAGATTCTCTTTGCTGTGCTCACACACACTGCCAGAAGAAAA-3'
Protein context (NP_002538.1, residues 515-535): KENLMTPSNM[Gly525Arg]VIFGPTLMRA